The following is an entry in ClinVar:

ClinVar aggregate classification (germline): Uncertain significance. Review status: criteria provided, multiple submitters, no conflicts (2 of 4 stars). 2 submissions from 2 submitters: Uncertain significance (2). Last evaluated 2023-06-09.

Conditions:
Inborn genetic diseases. Identifiers: MedGen C0950123, MeSH D030342.

Allele frequency attached by ClinVar (database versions not stated): ESP Exome Variant Server 0.00008.
gnomAD v4.1: 4 of 1,602,704 alleles (0.00025%); highest among the groups gnomAD compares: African/African-American, 0.004%; no homozygotes.

Submissions (2):

GeneDx
Classification: Uncertain significance. Last evaluated: 2023-06-09. Review status: criteria provided, single submitter. Criteria: GeneDx Variant Classification Process June 2021. Collection method: clinical testing. Allele origin: germline. Affected: yes.
Comment: Has not been previously published as pathogenic or benign to our knowledge; Not observed at significant frequency in large population cohorts (gnomAD); In silico analysis suggests this variant may impact gene splicing. In the absence of RNA/functional studies, the actual effect of this sequence change is unknown.; In silico analysis supports that this missense variant does not alter protein structure/function

Ambry Genetics
Classification: Uncertain significance for Inborn genetic diseases. Last evaluated: 2022-12-24. Review status: criteria provided, single submitter. Criteria: Ambry Variant Classification Scheme 2023. Collection method: clinical testing. Allele origin: germline.
Comment: The p.N656S variant (also known as c.1967A>G), located in coding exon 14 of the MIB1 gene, results from an A to G substitution at nucleotide position 1967. The asparagine at codon 656 is replaced by serine, an amino acid with highly similar properties. This amino acid position is conserved. In addition, this alteration is predicted to be tolerated by in silico analysis. Since supporting evidence is limited at this time, the clinical significance of this alteration remains unclear.

NM_020774.4(MIB1):c.1967A>G (p.Asn656Ser)

Gene: MIB1 (MIB E3 ubiquitin protein ligase 1; plus strand). Cytogenetic location: 18q11.2.
Variant type: single nucleotide variant.
Coding change: c.1967A>G on transcript NM_020774.4 (MANE Select); coding-DNA position 1967, A replaced by G.
Protein change: p.Asn656Ser; replaces asparagine 656 with serine.
Molecular consequence: missense variant.
Genome position (GRCh38, 1-based): chr18:21,843,135, A>G. VCF-style: chr18-21843135-A-G. GRCh37 (hg19) VCF-style: chr18-19423096-A-G.
Other names: short protein forms N656S.
Identifiers: ClinVar variation 2448811 (VCV002448811.3), dbSNP rs369313882, ClinGen allele CA8908487.